The following is an entry in ClinVar:

ClinVar aggregate classification (germline): Uncertain significance (1 of 4 stars; one submission).

Conditions:
Epileptic encephalopathy. Identifiers: MedGen C0543888, HP:0200134.

gnomAD v4.1: 1 of 1,552,078 alleles (0.000064%); highest among the groups gnomAD compares: Admixed American, 0.002%; no homozygotes.

Submission:

Labcorp Genetics (formerly Invitae), Labcorp
Classification: Uncertain significance for Epileptic encephalopathy. Last evaluated: 2024-12-09. Review status: criteria provided, single submitter. Criteria: Invitae Variant Classification Sherloc (09022015). Collection method: clinical testing. Allele origin: germline.
Comment: This sequence change replaces glutamic acid, which is acidic and polar, with aspartic acid, which is acidic and polar, at codon 1485 of the FASN protein (p.Glu1485Asp). This variant is not present in population databases (gnomAD no frequency). This variant has not been reported in the literature in individuals affected with FASN-related conditions. ClinVar contains an entry for this variant (Variation ID: 1511101). An algorithm developed to predict the effect of missense changes on protein structure and function outputs the following: PolyPhen-2: "Benign". The aspartic acid amino acid residue is found in multiple mammalian species, which suggests that this missense change does not adversely affect protein function. In summary, the available evidence is currently insufficient to determine the role of this variant in disease. Therefore, it has been classified as a Variant of Uncertain Significance.

NM_004104.5(FASN):c.4455G>C (p.Glu1485Asp)

Gene: FASN (fatty acid synthase; minus strand). Cytogenetic location: 17q25.3.
Variant type: single nucleotide variant.
Coding change: c.4455G>C on transcript NM_004104.5 (MANE Select); coding-DNA position 4455, G replaced by C.
Protein change: p.Glu1485Asp; replaces glutamic acid 1485 with aspartic acid.
Molecular consequence: missense variant.
Genome position (GRCh38, 1-based): chr17:82,084,908, C>G on the plus strand (G>C on the coding strand, the complement: FASN is on the minus strand). VCF-style: chr17-82084908-C-G. GRCh37 (hg19) VCF-style: chr17-80042784-C-G.
Other names: short protein forms E1485D.
Identifiers: ClinVar variation 1511101 (VCV001511101.8), dbSNP rs181585755, ClinGen allele CA295129526.
Genomic context (GRCh38, chr17:82,084,908, plus strand): 5'-GACGTTCATCACCAGGTCTCCCTGCAACACCTTCTGCAGTTCTGCGGAGCCCGGGTCCAC[C>G]TCCGGGACGTGGGAGGTGCTGCTGAGGTTGGAGAGCAGCACACACCTGGGGGCAGAGGCG-3'
Protein context (NP_004095.4, residues 1475-1495): SNLSSTSHVP[Glu1485Asp]VDPGSAELQK